The following is an entry in ClinVar:

NM_022072.5(NSUN3):c.176T>C (p.Phe59Ser)

Gene: NSUN3 (NOP2/Sun RNA methyltransferase 3; plus strand). Cytogenetic location: 3q11.2.
Variant type: single nucleotide variant.
Coding change: c.176T>C on transcript NM_022072.5 (MANE Select); coding-DNA position 176, T replaced by C.
Protein change: p.Phe59Ser; replaces phenylalanine 59 with serine.
Molecular consequence: missense variant.
Genome position (GRCh38, 1-based): chr3:94,084,160, T>C. VCF-style: chr3-94084160-T-C. GRCh37 (hg19) VCF-style: chr3-93803004-T-C.
Other names: short protein forms F59S.
Identifiers: ClinVar variation 2653990 (VCV002653990.25), dbSNP rs2077282441, ClinGen allele CA353704328.

ClinVar aggregate classification (germline): Uncertain significance. Review status: criteria provided, multiple submitters, no conflicts (2 of 4 stars). 2 submissions from 2 submitters: Uncertain significance (2). Last evaluated 2024-12-27.

Conditions:
Combined oxidative phosphorylation deficiency 48. Identifiers: MedGen C5436602, MONDO:0033566, OMIM 619012.

Submissions (2):

Revvity Omics, Revvity
Classification: Uncertain significance for Combined oxidative phosphorylation deficiency 48. Last evaluated: 2024-12-27. Review status: criteria provided, single submitter. Criteria: ACMG Guidelines, 2015. Collection method: clinical testing. Allele origin: germline.

CeGaT Center for Human Genetics Tuebingen
Classification: Uncertain significance. Last evaluated: 2022-07-01. Review status: criteria provided, single submitter. Criteria: CeGaT Center For Human Genetics Tuebingen Variant Classification Criteria Version 2. Collection method: clinical testing. Allele origin: germline. Affected: yes. Observed: 1 variant allele.
Comment: NSUN3: PM2